The following is an entry in ClinVar:

NM_033305.3(VPS13A):c.7637A>T (p.Tyr2546Phe)

Gene: VPS13A (vacuolar protein sorting 13 homolog A; plus strand). Cytogenetic location: 9q21.2.
Variant type: single nucleotide variant.
Coding change: c.7637A>T on transcript NM_033305.3 (MANE Select); coding-DNA position 7637, A replaced by T.
Protein change: p.Tyr2546Phe; replaces tyrosine 2546 with phenylalanine.
Molecular consequence: missense variant.
Genome position (GRCh38, 1-based): chr9:77,353,626, A>T. VCF-style: chr9-77353626-A-T. GRCh37 (hg19) VCF-style: chr9-79968542-A-T.
Other names: c.7637A>T (NM_033305.2); c.7520A>T, p.Tyr2507Phe (NM_001018037.2); c.7637A>T, p.Tyr2546Phe (NM_001018038.3, NM_015186.4); short protein forms Y2507F, Y2546F.
Identifiers: ClinVar variation 2148583 (VCV002148583.3), dbSNP rs922747368, ClinGen allele CA194393539.

ClinVar aggregate classification (germline): Uncertain significance. Review status: criteria provided, multiple submitters, no conflicts (2 of 4 stars). 3 submissions from 3 submitters: Uncertain significance (3). Last evaluated 2026-08-06.

Conditions:
Inborn genetic diseases. Identifiers: MedGen C0950123, MeSH D030342.

Allele frequency attached by ClinVar (database versions not stated): gnomAD exomes 0.00001; TOPMed 0.00002.
gnomAD v4.1: 16 of 1,613,230 alleles (0.00099%); highest among the groups gnomAD compares: Admixed American, 0.013%; no homozygotes.

Submissions (3):

OLLIN Analises Genomicas, OLLIN
Classification: Uncertain significance. Last evaluated: 2026-08-06. Review status: criteria provided, single submitter. Criteria: ACMG Guidelines 2015 PMID 25741868. Collection method: clinical testing. Allele origin: germline.
Comment: This missense variant, located in exon 54 (of 72), has been reported in ClinVar (accession VCV002148583.2) and in gnomAD with an allele frequency of 0.00099%. However, to our knowledge, it has not been reported in the scientific literature. In silico analysis predicts that this variant has a tolerated effect. According to the currently available evidence, this variant has been classified as uncertain significance (PM2_P, BP4_M).

Ambry Genetics
Classification: Uncertain significance for Inborn genetic diseases. Last evaluated: 2024-11-09. Review status: criteria provided, single submitter. Criteria: Ambry Variant Classification Scheme 2023. Collection method: clinical testing. Allele origin: germline.

Labcorp Genetics (formerly Invitae), Labcorp
Classification: Uncertain significance. Last evaluated: 2022-08-07. Review status: criteria provided, single submitter. Criteria: Invitae Variant Classification Sherloc (09022015). Collection method: clinical testing. Allele origin: germline.
Comment: This sequence change replaces tyrosine, which is neutral and polar, with phenylalanine, which is neutral and non-polar, at codon 2546 of the VPS13A protein (p.Tyr2546Phe). This variant is present in population databases (no rsID available, gnomAD 0.003%). This variant has not been reported in the literature in individuals affected with VPS13A-related conditions. Algorithms developed to predict the effect of missense changes on protein structure and function (SIFT, PolyPhen-2, Align-GVGD) all suggest that this variant is likely to be tolerated. In summary, the available evidence is currently insufficient to determine the role of this variant in disease. Therefore, it has been classified as a Variant of Uncertain Significance.